The following is an entry in ClinVar:

ClinVar aggregate classification (germline): Conflicting classifications of pathogenicity. Review status: criteria provided, conflicting classifications (1 of 4 stars). 3 submissions from 3 submitters: Likely pathogenic (1); Uncertain significance (2). Last evaluated 2024-08-29.

Conditions:
Early-infantile DEE. Also called: Ohtahara syndrome; Early infantile epileptic encephalopathy; Early infantile epileptic encephalopathy with suppression bursts. Identifiers: Orphanet 1934, MedGen C0393706, MONDO:0800491.
Severe myoclonic epilepsy in infancy (DRVT). Also called: SEVERE MYOCLONIC EPILEPSY OF INFANCY; DEVELOPMENTAL AND EPILEPTIC ENCEPHALOPATHY 6A; Dravet syndrome; Epileptic encephalopathy, early infantile, 6 (Dravet syndrome); Severe Myoclonic Epilepsy in Infancy (SMEI). Identifiers: Orphanet 33069, MedGen C0751122, MONDO:0100135, OMIM 607208.

Submissions (3):

Labcorp Genetics (formerly Invitae), Labcorp
Classification: Uncertain significance for Early-infantile DEE. Last evaluated: 2024-08-29. Review status: criteria provided, single submitter. Criteria: Invitae Variant Classification Sherloc (09022015). Collection method: clinical testing. Allele origin: germline.
Comment: This sequence change replaces leucine, which is neutral and non-polar, with proline, which is neutral and non-polar, at codon 1876 of the SCN1A protein (p.Leu1876Pro). This variant is not present in population databases (gnomAD no frequency). This variant has not been reported in the literature in individuals affected with SCN1A-related conditions. ClinVar contains an entry for this variant (Variation ID: 206874). Invitae Evidence Modeling of protein sequence and biophysical properties (such as structural, functional, and spatial information, amino acid conservation, physicochemical variation, residue mobility, and thermodynamic stability) indicates that this missense variant is expected to disrupt SCN1A protein function with a positive predictive value of 95%. In summary, the available evidence is currently insufficient to determine the role of this variant in disease. Therefore, it has been classified as a Variant of Uncertain Significance.

Unidad de Genómica Garrahan, Hospital de Pediatría Garrahan
Classification: Likely pathogenic for Severe myoclonic epilepsy in infancy. Last evaluated: 2024-01-01. Review status: criteria provided, single submitter. Criteria: ACMG Guidelines, 2015. Collection method: clinical testing. Allele origin: de novo. Affected: yes. Observed: 1 variant allele.

GeneDx
Classification: Uncertain significance. Last evaluated: 2020-02-21. Review status: criteria provided, single submitter. Criteria: GeneDx Variant Classification Process June 2021. Collection method: clinical testing. Allele origin: germline. Affected: yes.
Comment: Reported in the heterozygous state in a patient with seizures referred for genetic testing at GeneDx (Lindy et al., 2018); This substitution is predicted to be within the C-terminal cytoplasmic domain; Missense variants in nearby residues reported in the Human Gene Mutation Database (Stenson et al., 2014); Missense variants in this gene are often considered pathogenic (Stenson et al., 2014); In silico analysis supports that this missense variant has a deleterious effect on protein structure/function; Not observed in large population cohorts (Lek et al., 2016); This variant is associated with the following publications: (PMID: 29655203)

NM_001165963.4(SCN1A):c.5627T>C (p.Leu1876Pro)

Genes: SCN1A (sodium voltage-gated channel alpha subunit 1; minus strand), LOC102724058 (uncharacterized LOC102724058; plus strand). Cytogenetic location: 2q24.3.
Variant type: single nucleotide variant.
Coding change: c.5627T>C on transcript NM_001165963.4 (MANE Select); coding-DNA position 5627, T replaced by C.
Protein change: p.Leu1876Pro; replaces leucine 1876 with proline.
Molecular consequence: missense variant. On other transcripts: non-coding transcript variant (1).
Genome position (GRCh38, 1-based): chr2:165,991,648, A>G on the plus strand (T>C on the coding strand, the complement: SCN1A is on the minus strand). VCF-style: chr2-165991648-A-G. GRCh37 (hg19) VCF-style: chr2-166848158-A-G.
Other names: p.L1876P:CTA>CCA; NP_001159435.1:p.(Leu1876Pro); c.5594T>C, p.Leu1865Pro (NM_001353949.2, NM_001353950.2, NM_001353951.2 and 2 more transcripts); c.5591T>C, p.Leu1864Pro (NM_001353954.2, NM_001353955.2); c.5543T>C, p.Leu1848Pro (NM_001353957.2, NM_001353958.2, NM_001165964.3); c.5540T>C, p.Leu1847Pro (NM_001353960.2); c.3185T>C, p.Leu1062Pro (NM_001353961.2); c.5627T>C, p.Leu1876Pro (NM_001202435.3, NM_001353948.2); short protein forms L1865P, L1876P, L1848P, L1062P, L1864P, L1847P.
Identifiers: ClinVar variation 206874 (VCV000206874.7), dbSNP rs796053044, ClinGen allele CA317641.